The following is an entry in ClinVar:

NM_025137.4(SPG11):c.408_428del (p.Glu136_Ile142del)

Gene: SPG11 (SPG11 vesicle trafficking associated, spatacsin; minus strand). Cytogenetic location: 15q21.1.
Variant type: Deletion.
Coding change: c.408_428del on transcript NM_025137.4 (MANE Select); coding-DNA positions 408 to 428, 21 bases deleted (GGCATTGCAAAAGCTCATTGA).
Protein change: p.Glu136_Ile142del.
Molecular consequence: inframe deletion.
Genome position (GRCh38, 1-based): chr15:44,660,446-44,660,466, TCAATGAGCTTTTGCAATGCC deleted on the plus strand (GGCATTGCAAAAGCTCATTGA on the coding strand, the reverse complement: SPG11 is on the minus strand); deleting any 21 consecutive bases within chr15:44,660,446-44,660,468 gives the same sequence; the c. name uses the placement nearest the transcript's 3' end. VCF-style (leftmost placement, unchanged base first): chr15-44660445-GTCAATGAGCTTTTGCAATGCC-G. GRCh37 (hg19) VCF-style: chr15-44952643-GTCAATGAGCTTTTGCAATGCC-G.
Other names: c.408_428del, p.Glu136_Ile142del (NM_001160227.2).
Identifiers: ClinVar variation 41314 (VCV000041314.4), dbSNP rs312262714, ClinGen allele CA344343.

ClinVar aggregate classification (germline): Conflicting classifications of pathogenicity. Review status: criteria provided, conflicting classifications (1 of 4 stars). 3 submissions from 3 submitters: Pathogenic (1); Uncertain significance (1). 1 of the submissions does not count toward it. Last evaluated 2023-10-27.

Conditions:
Hereditary spastic paraplegia. Also called: Familial spastic paraparesis. Identifiers: Orphanet 685, MedGen C0037773, MONDO:0019064. Disease mechanism: loss of function.
Hereditary spastic paraplegia 11. Also called: SPASTIC PARAPLEGIA, AUTOSOMAL RECESSIVE, COMPLICATED, WITH THIN CORPUS CALLOSUM; SPASTIC PARAPLEGIA, AUTOSOMAL RECESSIVE, WITH MENTAL IMPAIRMENT AND THIN CORPUS CALLOSUM; Spastic Paraplegia 11; Spastic paraplegia, mental retardation and thin corpus callosum; Nakamura Osame syndrome; Autosomal recessive hereditary spastic paraplegia, mental impairment, and thin corpus callosum. Identifiers: Orphanet 2822, MedGen C1858479, MONDO:0011445, OMIM 604360.

Submissions (3):

Blueprint Genetics
Classification: Uncertain significance. Last evaluated: 2023-10-27. Review status: criteria provided, single submitter. Criteria: ACMG Guidelines, 2015. Collection method: clinical testing. Allele origin: germline.

Women's Health and Genetics/Laboratory Corporation of America, LabCorp
Classification: Pathogenic for Hereditary spastic paraplegia. Last evaluated: 2023-09-14. Review status: criteria provided, single submitter. Criteria: LabCorp Variant Classification Summary - May 2015. Collection method: clinical testing. Allele origin: germline.
Comment: Variant summary: SPG11 c.408_428del21 (p.Glu136_Ile142del) results in an in-frame deletion that is predicted to remove 7 amino acids from the encoded protein. The variant was absent in 251142 control chromosomes. c.408_428del21 has been reported in the literature in multiple individuals affected with Hereditary Spastic Paraplegia, Type 11, either at a homozygous state or at a compound heterozygous state along with second pathogenic variant(s) (example, Denora_2009, Vural_2021, Elert-Dobkowska_2019, Stromillo_2011). These data indicate that the variant is very likely to be associated with disease. To our knowledge, no experimental evidence demonstrating an impact on protein function has been reported. The following publications have been ascertained in the context of this evaluation (PMID: 19105190, 30778698, 21625935, 33624863). No submitters have cited clinical-significance assessments for this variant to ClinVar after 2014. Based on the evidence outlined above, the variant was classified as pathogenic.

GeneReviews
No classification provided. Condition: Hereditary spastic paraplegia 11. Review status: no classification provided. Collection method: literature only. Allele origin: unknown. Not counted in ClinVar's aggregate classification.

Literature cited by the submitters: PubMed 33624863 (cited by Women's Health and Genetics/Laboratory Corporation of America, LabCorp); PubMed 19105190 (cited by Women's Health and Genetics/Laboratory Corporation of America, LabCorp and GeneReviews); PubMed 30778698 (cited by Women's Health and Genetics/Laboratory Corporation of America, LabCorp); PubMed 21625935 (cited by Women's Health and Genetics/Laboratory Corporation of America, LabCorp); PubMed 20301389 (cited by GeneReviews); NCBI Bookshelf NBK1210 (cited by GeneReviews).